The following is an entry in ClinVar:

ClinVar aggregate classification (germline): Uncertain significance (1 of 4 stars; one submission).

Conditions:
Inborn genetic diseases. Identifiers: MedGen C0950123, MeSH D030342.

gnomAD v4.1: 1 of 1,613,932 alleles (0.000062%); highest among the groups gnomAD compares: East Asian, 0.0022%; no homozygotes.

Submission:

Ambry Genetics
Classification: Uncertain significance for Inborn genetic diseases. Last evaluated: 2026-07-19. Review status: criteria provided, single submitter. Criteria: Ambry Variant Classification Scheme 2023. Collection method: clinical testing. Allele origin: germline.
Comment: The p.Y72H variant (also known as c.214T>C), located in coding exon 1 of the SAMD9L gene, results from a T to C substitution at nucleotide position 214. The tyrosine at codon 72 is replaced by histidine, an amino acid with similar properties. This amino acid position is conserved. In addition, this alteration is predicted to be tolerated by in silico analysis. Based on the available evidence, the clinical significance of this variant remains unclear.

NM_152703.5(SAMD9L):c.214T>C (p.Tyr72His)

Gene: SAMD9L (sterile alpha motif domain containing 9 like; minus strand). Cytogenetic location: 7q21.2.
Variant type: single nucleotide variant.
Coding change: c.214T>C on transcript NM_152703.5 (MANE Select); coding-DNA position 214, T replaced by C.
Protein change: p.Tyr72His; replaces tyrosine 72 with histidine.
Molecular consequence: missense variant.
Genome position (GRCh38, 1-based): chr7:93,135,758, A>G on the plus strand (T>C on the coding strand, the complement: SAMD9L is on the minus strand). VCF-style: chr7-93135758-A-G. GRCh37 (hg19) VCF-style: chr7-92765071-A-G.
Other names: c.214T>C, p.Tyr72His (NM_001303496.3, NM_001303497.3, NM_001303498.3 and 5 more transcripts); short protein forms Y72H.
Identifiers: ClinVar variation 5028901 (VCV005028901.1).